The following is an entry in ClinVar:

NM_000702.4(ATP1A2):c.-30G>A

Gene: ATP1A2 (ATPase Na+/K+ transporting subunit alpha 2; plus strand). Cytogenetic location: 1q23.2.
Variant type: single nucleotide variant.
Coding change: c.-30G>A on transcript NM_000702.4 (MANE Select); 30 bases upstream of the start codon, G replaced by A.
Molecular consequence: 5 prime UTR variant.
Genome position (GRCh38, 1-based): chr1:160,115,832, G>A. VCF-style: chr1-160115832-G-A. GRCh37 (hg19) VCF-style: chr1-160085622-G-A.
Identifiers: ClinVar variation 514472 (VCV000514472.1), dbSNP rs759542448, ClinGen allele CA1194031.

ClinVar aggregate classification (germline): Likely benign (1 of 4 stars; one submission).

Allele frequency attached by ClinVar (database versions not stated): gnomAD below 0.00001 and 0.00001; TOPMed below 0.00001; gnomAD exomes 0.00003.
gnomAD v4.1: 47 of 1,588,428 alleles (0.003%); highest among the groups gnomAD compares: Non-Finnish European, 0.0036%; no homozygotes.

Submission:

GeneDx
Classification: Likely benign. Last evaluated: 2018-01-04. Review status: criteria provided, single submitter. Criteria: GeneDx Variant Classification (06012015). Collection method: clinical testing. Allele origin: germline. Affected: yes.
Comment: This variant is considered likely benign or benign based on one or more of the following criteria: it is a conservative change, it occurs at a poorly conserved position in the protein, it is predicted to be benign by multiple in silico algorithms, and/or has population frequency not consistent with disease.